The following is an entry in ClinVar:

NM_058216.3(RAD51C):c.*1C>A

Gene: RAD51C (RAD51 paralog C; plus strand). Cytogenetic location: 17q22.
Variant type: single nucleotide variant.
Coding change: c.*1C>A on transcript NM_058216.3 (MANE Select); 1 bases downstream of the stop codon, C replaced by A.
Molecular consequence: 3 prime UTR variant. On other transcripts: non-coding transcript variant (1).
Genome position (GRCh38, 1-based): chr17:58,734,223, C>A. VCF-style: chr17-58734223-C-A. GRCh37 (hg19) VCF-style: chr17-56811584-C-A.
Other names: c.*560C>A (NM_058217.1).
Identifiers: ClinVar variation 1753386 (VCV001753386.4), dbSNP rs1182383626, ClinGen allele CA626738952.

ClinVar aggregate classification (germline): Conflicting classifications of pathogenicity. Review status: criteria provided, conflicting classifications (1 of 4 stars). 3 submissions from 3 submitters: Uncertain significance (2); Benign (1). Last evaluated 2025-02-19.

Conditions:
Hereditary cancer-predisposing syndrome. Also called: Neoplastic Syndromes, Hereditary; Tumor predisposition; Hereditary Cancer Syndrome; Hereditary neoplastic syndrome. Identifiers: Orphanet 140162, MedGen C0027672, MeSH D009386, MONDO:0015356.
Breast-ovarian cancer, familial, susceptibility to, 3. Also called: RAD51C-Related Breast/Ovarian Cancer. Identifiers: Orphanet 145, MedGen C3150659, MONDO:0013253, OMIM 613399.

gnomAD v4.1: 1 of 1,609,864 alleles (0.000062%); highest among the groups gnomAD compares: Non-Finnish European, 0.000085%; no homozygotes.

Submissions (3):

Myriad Genetics, Inc.
Classification: Benign for Breast-ovarian cancer, familial, susceptibility to, 3. Last evaluated: 2025-02-19. Review status: criteria provided, single submitter. Criteria: Myriad Autosomal Dominant, Autosomal Recessive and X-Linked Classification Criteria (2023). Collection method: clinical testing. Allele origin: unknown.
Comment: This variant is considered benign. This variant occurs in the non-coding 3' untranslated region of the gene and is not expected to impact protein function.

Color Diagnostics, LLC DBA Color Health
Classification: Uncertain significance for Hereditary cancer-predisposing syndrome. Last evaluated: 2024-07-15. Review status: criteria provided, single submitter. Criteria: ACMG Guidelines, 2015. Collection method: clinical testing. Allele origin: germline.
Comment: This variant is located in the 3' untranslated region of the RAD51C gene. To our knowledge, functional studies have not been reported for this variant. This variant has not been reported in individuals affected with RAD51C-related disorders in the literature. This variant has not been identified in the general population by the Genome Aggregation Database (gnomAD). The available evidence is insufficient to determine the role of this variant in disease conclusively. Therefore, this variant is classified as a Variant of Uncertain Significance.

Ambry Genetics
Classification: Uncertain significance for Hereditary cancer-predisposing syndrome. Last evaluated: 2015-11-20. Review status: criteria provided, single submitter. Criteria: Ambry Variant Classification Scheme 2023. Collection method: clinical testing. Allele origin: germline.
Comment: The c.*1C>A variant is located in the 3' untranslated region (3&rsquo; UTR) of the RAD51C gene. This variant results from a C to A substitution 1 nucleotide after the last translated codon. This variant was not reported in population based cohorts in the following databases: Database of Single Nucleotide Polymorphisms (dbSNP), NHLBI Exome Sequencing Project (ESP), and 1000 Genomes Project. In the ESP, this variant was not observed in 6503 samples (13006 alleles) with coverage at this position. To date, this alteration has been detected with an allele frequency of approximately 0.001% (greater than 120000 alleles tested) in our clinical cohort. This nucleotide position is poorly conserved on limited sequence alignment. Since supporting evidence is limited at this time, the clinical significance of c.*1C>A remains unclear.